The following is an entry in ClinVar:

NM_000562.3(C8A):c.1630T>G (p.Cys544Gly)

Gene: C8A (complement C8 alpha chain; plus strand). Cytogenetic location: 1p32.2.
Variant type: single nucleotide variant.
Coding change: c.1630T>G on transcript NM_000562.3 (MANE Select); coding-DNA position 1630, T replaced by G.
Protein change: p.Cys544Gly; replaces cysteine 544 with glycine.
Molecular consequence: missense variant.
Genome position (GRCh38, 1-based): chr1:56,917,591, T>G. VCF-style: chr1-56917591-T-G. GRCh37 (hg19) VCF-style: chr1-57383264-T-G.
Other names: short protein forms C544G.
Identifiers: ClinVar variation 1512136 (VCV001512136.8), dbSNP rs1389252499, ClinGen allele CA340517105.
Genomic context (GRCh38, chr1:56,917,591, plus strand): 5'-TAACCTTCTCCTCCCTGGGAAATTTCCTCTGCAGGAGCCAAAGCAGATGGGAGCTGGAGT[T>G]GCTGGAGCTCCTGGTCTGTATGCAGAGCAGGCATCCAGGAAAGGAGAAGAGAGTGTGACA-3'
Protein context (NP_000553.1, residues 534-554): EGAKADGSWS[Cys544Gly]WSSWSVCRAG

ClinVar aggregate classification (germline): Uncertain significance (1 of 4 stars; one submission).

Submission:

Labcorp Genetics (formerly Invitae), Labcorp
Classification: Uncertain significance. Last evaluated: 2021-03-29. Review status: criteria provided, single submitter. Criteria: Invitae Variant Classification Sherloc (09022015). Collection method: clinical testing. Allele origin: germline.
Comment: In summary, the available evidence is currently insufficient to determine the role of this variant in disease. Therefore, it has been classified as a Variant of Uncertain Significance. Algorithms developed to predict the effect of missense changes on protein structure and function are either unavailable or do not agree on the potential impact of this missense change (SIFT: "Deleterious"; PolyPhen-2: "Probably Damaging"; Align-GVGD: "Class C0"). This variant has not been reported in the literature in individuals with C8A-related conditions. This sequence change replaces cysteine with glycine at codon 544 of the C8A protein (p.Cys544Gly). The cysteine residue is highly conserved and there is a large physicochemical difference between cysteine and glycine. This variant is not present in population databases (ExAC no frequency).